The following is an entry in ClinVar:

ClinVar aggregate classification (germline): Uncertain significance (1 of 4 stars; one submission).

Conditions:
Hereditary breast ovarian cancer syndrome. Also called: BRCA1- and BRCA2-Associated Hereditary Breast and Ovarian Cancer; Breast and ovarian cancer; Hereditary breast and ovarian cancer; Hereditary breast and ovarian cancer syndrome (HBOC); Hereditary breast and ovarian cancer syndrome; Hereditary breast and/or ovarian cancer syndrome. Identifiers: Orphanet 145, MedGen C0677776, MeSH D061325, MONDO:0003582. Disease mechanism: loss of function.

Submission:

Labcorp Genetics (formerly Invitae), Labcorp
Classification: Uncertain significance for Hereditary breast ovarian cancer syndrome. Last evaluated: 2024-04-30. Review status: criteria provided, single submitter. Criteria: Invitae Variant Classification Sherloc (09022015). Collection method: clinical testing. Allele origin: germline.
Comment: This variant, c.3417_3419del, is a complex sequence change that results in the deletion of 2 and insertion of 1 amino acid(s) in the BRCA2 protein (p.Lys1139_Ser1140delinsAsn). This variant is not present in population databases (gnomAD no frequency). This variant has not been reported in the literature in individuals affected with BRCA2-related conditions. Experimental studies and prediction algorithms are not available or were not evaluated, and the functional significance of this variant is currently unknown. In summary, the available evidence is currently insufficient to determine the role of this variant in disease. Therefore, it has been classified as a Variant of Uncertain Significance.

NM_000059.4(BRCA2):c.3417_3419del (p.Lys1139_Ser1140delinsAsn)

Gene: BRCA2 (BRCA2 DNA repair associated; plus strand). Cytogenetic location: 13q13.1.
Variant type: Deletion.
Coding change: c.3417_3419del on transcript NM_000059.4 (MANE Select); coding-DNA positions 3417 to 3419, 3 bases deleted (GAG; older notation c.3417_3419delGAG).
Protein change: p.Lys1139_Ser1140delinsAsn.
Molecular consequence: inframe indel. On other transcripts: non-coding transcript variant (1), intron variant (2).
Genome position (GRCh38, 1-based): chr13:32,337,772-32,337,774, GAG deleted. VCF-style (leftmost placement, unchanged base first): chr13-32337771-AGAG-A. GRCh37 (hg19) VCF-style: chr13-32911908-AGAG-A.
Other names: c.3417_3419del, p.Lys1139_Ser1140delinsAsn (NM_001406719.1, NM_001406720.1, NM_001432077.1); c.1909+4385_1909+4387del (NM_001406721.1); c.424+6742_424+6744del (NM_001406722.1).
Identifiers: ClinVar variation 3693490 (VCV003693490.2).